The following is an entry in ClinVar:

ClinVar aggregate classification (germline): Pathogenic/Likely pathogenic. Review status: criteria provided, multiple submitters, no conflicts (2 of 4 stars). 3 submissions from 3 submitters: Pathogenic (1); Likely pathogenic (1). 1 of the submissions does not count toward it. Last evaluated 2025-02-20.

Conditions:
Dilated cardiomyopathy 1G (CMD1G). Identifiers: Orphanet 154, MedGen C1858763, MONDO:0011400, OMIM 604145.
Hypertrophic cardiomyopathy 9. Also called: Familial hypertrophic cardiomyopathy 9. Identifiers: MedGen C1861065, MONDO:0013412, OMIM 613765.
Autosomal recessive limb-girdle muscular dystrophy type 2J (LGMDR10). Also called: Limb-girdle muscular dystrophy, type 2J; MUSCULAR DYSTROPHY, LIMB-GIRDLE, AUTOSOMAL RECESSIVE 10. Identifiers: Orphanet 140922, MedGen C1837342, MONDO:0012127, OMIM 608807.

Allele frequency attached by ClinVar (database versions not stated): gnomAD exomes below 0.00001.
gnomAD v4.1: 1 of 1,613,690 alleles (0.000062%); highest among the groups gnomAD compares: Non-Finnish European, 0.000085%; no homozygotes.

Submissions (3):

Labcorp Genetics (formerly Invitae), Labcorp
Classification: Likely pathogenic for Dilated cardiomyopathy 1G; Autosomal recessive limb-girdle muscular dystrophy type 2J. Last evaluated: 2025-02-20. Review status: criteria provided, single submitter. Criteria: Invitae Variant Classification Sherloc (09022015). Collection method: clinical testing. Allele origin: germline.
Comment: This sequence change creates a premature translational stop signal (p.Lys28657*) in the TTN gene. While this is not anticipated to result in nonsense mediated decay, it is expected to create a truncated TTN protein. This variant is not present in population databases (gnomAD no frequency). This premature translational stop signal has been observed in individual(s) with dilated cardiomyopathy (PMID: 22335739). ClinVar contains an entry for this variant (Variation ID: 663697). This variant is located in the A band of TTN (PMID: 25589632). Truncating variants in this region are significantly overrepresented in patients affected with dilated cardiomyopathy (PMID: 25589632). Truncating variants in this region have also been reported in individuals affected with autosomal recessive centronuclear myopathy (PMID: 23975875). In summary, the currently available evidence indicates that the variant is pathogenic, but additional data are needed to prove that conclusively. Therefore, this variant has been classified as Likely Pathogenic.

New York Genome Center
Classification: Pathogenic for Hypertrophic cardiomyopathy 9; Dilated cardiomyopathy 1G. Last evaluated: 2022-01-25. Review status: criteria provided, single submitter. Criteria: NYGC Assertion Criteria 2020. Collection method: clinical testing. Allele origin: germline. Affected: yes. Observed: 1 heterozygote.
Comment: The c.85969A>T (p.Lys28657Ter) variant identified in the TTN gene is a nonsense variant that leads to the premature termination of the protein at amino acid 28657/35991 (exon 326/363) and is expected to result in either an abnormal, truncated protein product or loss of protein through nonsense-mediated mRNA decay. This variant is absent from gnomAD (v2.1.1 and v3.1.2) suggesting it is not a common benign variant in the populations represented in that database.This variant is reported as Likely Pathogenic in ClinVar (Variation ID: 663697) database and has been reported in multiple individuals affected with dilated cardiomyopathy in the literature (PMID: 22335739, 31514951, 24119082). The p.Lys28657 residue is located in the A-band domain of TTN protein (PMID: 25589632), where most variants associated with dilated cardiomyopathy are located (PMID: 32964742, 26777568, 27869827, 28045975, 25589632). The c.85969A>T(p.Lys28657Ter) variant identified in the TTN gene is reported as Pathogenic.

Cardiogenetics and Myogenetics Molecular and Cellular Functional Unit, Aphp Sorbonne University-Hopital Pitie Salpetriere
Classification: Likely pathogenic for Dilated cardiomyopathy 1G. Last evaluated: 2024-01-06. Review status: no assertion criteria provided. Collection method: clinical testing. Allele origin: germline. Affected: yes. Not counted in ClinVar's aggregate classification.

Literature cited by the submitters: PubMed 22335739 (cited by Labcorp Genetics (formerly Invitae), Labcorp); PubMed 25589632 (cited by Labcorp Genetics (formerly Invitae), Labcorp); PubMed 23975875 (cited by Labcorp Genetics (formerly Invitae), Labcorp).

NM_001267550.2(TTN):c.85969A>T (p.Lys28657Ter)

Genes: TTN-AS1 (TTN antisense RNA 1; plus strand), TTN (titin; minus strand). Cytogenetic location: 2q31.2.
Variant type: single nucleotide variant.
Coding change: c.85969A>T on transcript NM_001267550.2 (MANE Select); coding-DNA position 85969, A replaced by T.
Protein change: p.Lys28657Ter; replaces lysine 28657 with a stop codon.
Molecular consequence: nonsense.
Genome position (GRCh38, 1-based): chr2:178,560,163, T>A on the plus strand (A>T on the coding strand, the complement: TTN is on the minus strand). VCF-style: chr2-178560163-T-A. GRCh37 (hg19) VCF-style: chr2-179424890-T-A.
Other names: c.81046A>T, p.Lys27016Ter (NM_001256850.1); c.58774A>T, p.Lys19592Ter (NM_003319.4); c.78265A>T, p.Lys26089Ter (NM_133378.4); c.59149A>T, p.Lys19717Ter (NM_133432.3); c.59350A>T, p.Lys19784Ter (NM_133437.4); short protein forms K19784*, K26089*, K19592*, K28657*, K19717*, K27016*.
Identifiers: ClinVar variation 663697 (VCV000663697.11), dbSNP rs72648224, ClinGen allele CA60984296.
Genomic context (GRCh38, chr2:178,560,163, plus strand): 5'-ACAGCGGCTTAACCCAGGCAATAGTTATAGTTGTCTTGCCTGAGTCCACAATTTTGGGTT[T>A]GGATGGAGGAGATGGTAGGAACACTGGATCTTCTGCCCTAATTAAGGGAGAGGTTTCACT-3'